The following is an entry in ClinVar:

NM_000321.3(RB1):c.2074_2087del (p.Tyr692fs)

Gene: RB1 (RB transcriptional corepressor 1; plus strand). Cytogenetic location: 13q14.2.
Variant type: Deletion.
Coding change: c.2074_2087del on transcript NM_000321.3 (MANE Select); coding-DNA positions 2074 to 2087, 14 bases deleted (TATGAACTCATGAG).
Protein change: p.Tyr692fs; shifts the reading frame from tyrosine 692.
Molecular consequence: frameshift variant.
Genome position (GRCh38, 1-based): chr13:48,459,801-48,459,814, TATGAACTCATGAG deleted; deleting any 14 consecutive bases within chr13:48,459,796-48,459,814 gives the same sequence; the c. name uses the placement nearest the transcript's 3' end. VCF-style (leftmost placement, unchanged base first): chr13-48459795-AATGAGTATGAACTC-A. GRCh37 (hg19) VCF-style: chr13-49033931-AATGAGTATGAACTC-A.
Other names: c.2074_2087delTATGAACTCATGAG, p.Tyr692Argfs (NM_001407165.1); c.2074_2087del14 (NM_000321.2); short protein forms Y692fs.
Identifiers: ClinVar variation 1785436 (VCV001785436.2), dbSNP rs2542368456, ClinGen allele CA2580087606.

ClinVar aggregate classification (germline): Pathogenic (1 of 4 stars; one submission).

Conditions:
Hereditary cancer-predisposing syndrome. Also called: Neoplastic Syndromes, Hereditary; Tumor predisposition; Hereditary Cancer Syndrome; Hereditary neoplastic syndrome. Identifiers: Orphanet 140162, MedGen C0027672, MeSH D009386, MONDO:0015356.

Submission:

Ambry Genetics
Classification: Pathogenic for Hereditary cancer-predisposing syndrome. Last evaluated: 2017-06-27. Review status: criteria provided, single submitter. Criteria: Ambry Variant Classification Scheme 2023. Collection method: clinical testing. Allele origin: germline.
Comment: The c.2074_2087del14 pathogenic mutation, located in coding exon 20 of the RB1 gene, results from a deletion of 14 nucleotides at nucleotide positions 2074 to 2087, causing a translational frameshift with a predicted alternate stop codon (p.Y692Rfs*24). This alteration is expected to result in loss of function by premature protein truncation or nonsense-mediated mRNA decay. As such, this alteration is interpreted as a disease-causing mutation.